The following is an entry in ClinVar:

NM_012210.4(TRIM32):c.56A>C (p.Glu19Ala)

Genes: ASTN2 (astrotactin 2; minus strand), TRIM32 (tripartite motif containing 32; plus strand). Cytogenetic location: 9q33.1.
Variant type: single nucleotide variant.
Coding change: c.56A>C on transcript NM_012210.4 (MANE Select); coding-DNA position 56, A replaced by C.
Protein change: p.Glu19Ala; replaces glutamic acid 19 with alanine.
Molecular consequence: missense variant. On other transcripts: intron variant (3).
Genome position (GRCh38, 1-based): chr9:116,697,798, A>C. VCF-style: chr9-116697798-A-C. GRCh37 (hg19) VCF-style: chr9-119460077-A-C.
Other names: c.56A>C, p.Glu19Ala (NM_001099679.2, NM_001379048.1, NM_001379049.1 and 1 more transcripts); c.2653+27973T>G (NM_014010.5); c.2794+27973T>G (NM_001365069.1); c.2806+27973T>G (NM_001365068.1); short protein forms E19A.
Identifiers: ClinVar variation 2133643 (VCV002133643.4), dbSNP rs1205073558, ClinGen allele CA374647459.

ClinVar aggregate classification (germline): Uncertain significance (1 of 4 stars; one submission).

Conditions:
Bardet-Biedl syndrome (BBS). Identifiers: Orphanet 110, MedGen C0752166, MONDO:0015229.

Submission:

Labcorp Genetics (formerly Invitae), Labcorp
Classification: Uncertain significance for Bardet-Biedl syndrome. Last evaluated: 2022-05-17. Review status: criteria provided, single submitter. Criteria: Invitae Variant Classification Sherloc (09022015). Collection method: clinical testing. Allele origin: germline.
Comment: This sequence change replaces glutamic acid, which is acidic and polar, with alanine, which is neutral and non-polar, at codon 19 of the TRIM32 protein (p.Glu19Ala). This variant is not present in population databases (gnomAD no frequency). In summary, the available evidence is currently insufficient to determine the role of this variant in disease. Therefore, it has been classified as a Variant of Uncertain Significance. Algorithms developed to predict the effect of missense changes on protein structure and function (SIFT, PolyPhen-2, Align-GVGD) all suggest that this variant is likely to be disruptive. This variant has not been reported in the literature in individuals affected with TRIM32-related conditions.